The following is an entry in ClinVar:

ClinVar aggregate classification (germline): Conflicting classifications of pathogenicity. Review status: criteria provided, conflicting classifications (1 of 4 stars). 3 submissions from 3 submitters: Uncertain significance (1); Likely benign (2). Last evaluated 2025-05-10.

Conditions:
Developmental and epileptic encephalopathy, 42 (DEE42A). Also called: Epileptic encephalopathy, early infantile, 42; DEVELOPMENTAL AND EPILEPTIC ENCEPHALOPATHY 42A; EPILEPTIC ENCEPHALOPATHY, EARLY INFANTILE, 42A. Identifiers: MedGen C4310716, MONDO:0014917, OMIM 617106.
Episodic ataxia type 2 (EA2). Also called: CEREBELLAR ATAXIA, PAROXYSMAL, ACETAZOLAMIDE-RESPONSIVE; CEREBELLOPATHY, HEREDITARY PAROXYSMAL; EPISODIC ATAXIA, NYSTAGMUS-ASSOCIATED; ATAXIA, EPISODIC, WITH NYSTAGMUS; ATAXIA, FAMILIAL PAROXYSMAL; ACETAZOLAMIDE-RESPONSIVE HEREDITARY PAROXYSMAL CEREBELLAR ATAXIA. Identifiers: Orphanet 97, MedGen C1720416, MONDO:0007163, OMIM 108500.
Inborn genetic diseases. Identifiers: MedGen C0950123, MeSH D030342.

Allele frequency attached by ClinVar (database versions not stated): gnomAD exomes 0.00001; ExAC 0.00003; TOPMed 0.00006; gnomAD 0.00007.
gnomAD v4.1: 20 of 1,585,130 alleles (0.0013%); highest among the groups gnomAD compares: African/African-American, 0.023%; no homozygotes.

Submissions (3):

Labcorp Genetics (formerly Invitae), Labcorp
Classification: Likely benign for Developmental and epileptic encephalopathy, 42; Episodic ataxia type 2. Last evaluated: 2025-05-10. Review status: criteria provided, single submitter. Criteria: Invitae Variant Classification Sherloc (09022015). Collection method: clinical testing. Allele origin: germline.

GeneDx
Classification: Uncertain significance. Last evaluated: 2023-11-01. Review status: criteria provided, single submitter. Criteria: GeneDx Variant Classification Process June 2021. Collection method: clinical testing. Allele origin: germline. Affected: yes.
Comment: In silico analysis supports that this missense variant does not alter protein structure/function; Has not been previously published as pathogenic or benign to our knowledge

Ambry Genetics
Classification: Likely benign for Inborn genetic diseases. Last evaluated: 2021-06-08. Review status: criteria provided, single submitter. Criteria: Ambry Variant Classification Scheme 2023. Collection method: clinical testing. Allele origin: germline.

NM_001127222.2(CACNA1A):c.2783C>T (p.Pro928Leu)

Gene: CACNA1A (calcium voltage-gated channel subunit alpha1 A; minus strand). Cytogenetic location: 19p13.13.
Variant type: single nucleotide variant.
Coding change: c.2783C>T on transcript NM_001127222.2 (MANE Select); coding-DNA position 2783, C replaced by T.
Protein change: p.Pro928Leu; replaces proline 928 with leucine.
Molecular consequence: missense variant.
Genome position (GRCh38, 1-based): chr19:13,298,850, G>A on the plus strand (C>T on the coding strand, the complement: CACNA1A is on the minus strand). VCF-style: chr19-13298850-G-A. GRCh37 (hg19) VCF-style: chr19-13409664-G-A.
Other names: c.2795C>T, p.Pro932Leu (NM_000068.4, NM_023035.3); c.2786C>T, p.Pro929Leu (NM_001127221.2, NM_001174080.2); short protein forms P928L, P932L, P929L.
Identifiers: ClinVar variation 643665 (VCV000643665.14), dbSNP rs754998423, ClinGen allele CA9240481.